The following is an entry in ClinVar:

NM_015459.5(ATL3):c.172C>T (p.Leu58Phe)

Gene: ATL3 (atlastin GTPase 3; minus strand). Cytogenetic location: 11q13.1.
Variant type: single nucleotide variant.
Coding change: c.172C>T on transcript NM_015459.5 (MANE Select); coding-DNA position 172, C replaced by T.
Protein change: p.Leu58Phe; replaces leucine 58 with phenylalanine.
Molecular consequence: missense variant.
Genome position (GRCh38, 1-based): chr11:63,659,127, G>A on the plus strand (C>T on the coding strand, the complement: ATL3 is on the minus strand). VCF-style: chr11-63659127-G-A. GRCh37 (hg19) VCF-style: chr11-63426599-G-A.
Other names: c.118C>T, p.Leu40Phe (NM_001290048.2); c.172C>T (NM_015459.3); short protein forms L40F, L58F.
Identifiers: ClinVar variation 578742 (VCV000578742.9), dbSNP rs1326004545, ClinGen allele CA381030908.

ClinVar aggregate classification (germline): Uncertain significance. Review status: criteria provided, multiple submitters, no conflicts (2 of 4 stars). 2 submissions from 2 submitters: Uncertain significance (2). Last evaluated 2025-01-22.

Conditions:
Neuropathy, hereditary sensory, type 1F. Also called: Hereditary sensory neuropathy type IF; HSN IF. Identifiers: Orphanet 36386, MedGen C3810194, MONDO:0014286, OMIM 615632.
Inborn genetic diseases. Identifiers: MedGen C0950123, MeSH D030342.

Allele frequency attached by ClinVar (database versions not stated): gnomAD exomes below 0.00001; gnomAD 0.00002 and 0.00003; TOPMed 0.00003.
gnomAD v4.1: 9 of 1,613,938 alleles (0.00056%); highest among the groups gnomAD compares: Admixed American, 0.01%; no homozygotes.

Submissions (2):

Ambry Genetics
Classification: Uncertain significance for Inborn genetic diseases. Last evaluated: 2025-01-22. Review status: criteria provided, single submitter. Criteria: Ambry Variant Classification Scheme 2023. Collection method: clinical testing. Allele origin: germline.

Labcorp Genetics (formerly Invitae), Labcorp
Classification: Uncertain significance for Neuropathy, hereditary sensory, type 1F. Last evaluated: 2023-12-11. Review status: criteria provided, single submitter. Criteria: Invitae Variant Classification Sherloc (09022015). Collection method: clinical testing. Allele origin: germline.
Comment: This sequence change replaces leucine, which is neutral and non-polar, with phenylalanine, which is neutral and non-polar, at codon 58 of the ATL3 protein (p.Leu58Phe). This variant is present in population databases (no rsID available, gnomAD 0.003%). This variant has not been reported in the literature in individuals affected with ATL3-related conditions. ClinVar contains an entry for this variant (Variation ID: 578742). Advanced modeling of protein sequence and biophysical properties (such as structural, functional, and spatial information, amino acid conservation, physicochemical variation, residue mobility, and thermodynamic stability) performed at Invitae indicates that this missense variant is expected to disrupt ATL3 protein function with a positive predictive value of 80%. In summary, the available evidence is currently insufficient to determine the role of this variant in disease. Therefore, it has been classified as a Variant of Uncertain Significance.